The following is an entry in ClinVar:

NM_003383.5(VLDLR):c.1704-17C>T

Gene: VLDLR (very low density lipoprotein receptor; plus strand). Cytogenetic location: 9p24.2.
Variant type: single nucleotide variant.
Coding change: c.1704-17C>T on transcript NM_003383.5 (MANE Select); 17 bases into the intron before coding-DNA position 1704, C replaced by T.
Molecular consequence: intron variant.
Genome position (GRCh38, 1-based): chr9:2,647,457, C>T. VCF-style: chr9-2647457-C-T. GRCh37 (hg19) VCF-style: chr9-2647457-C-T.
Other names: c.1704-17C>T (NM_001018056.3); c.1581-17C>T (NM_001322225.2, NM_001322226.2).
Identifiers: ClinVar variation 513908 (VCV000513908.4), dbSNP rs149818793, ClinGen allele CA4964922.
Genomic context (GRCh38, chr9:2,647,457, plus strand): 5'-TAAATTTTTGTTTCCAGCTACTACAACTTTATTCCTTCTAAACCACTGAGGCTTATTTCT[C>T]ATTTAATTTTTCACAGCTTTGTTTACTGGTCAGACTGGGGTGAACCAGCTAAAATAGAAA-3'

ClinVar aggregate classification (germline): Likely benign. Review status: criteria provided, multiple submitters, no conflicts (2 of 4 stars). 2 submissions from 2 submitters: Likely benign (2). Last evaluated 2026-01-19.

Allele frequency attached by ClinVar (database versions not stated): ExAC 0.00012; 1000 Genomes Project 30x 0.00016; 1000 Genomes Project 0.00020; gnomAD 0.00025 and 0.00031; TOPMed 0.00034; gnomAD exomes 0.00003 and 0.00008; ESP Exome Variant Server 0.00046.
gnomAD v4.1: 81 of 1,604,474 alleles (0.005%); highest among the groups gnomAD compares: African/African-American, 0.098%; no homozygotes.

Submissions (2):

Labcorp Genetics (formerly Invitae), Labcorp
Classification: Likely benign. Last evaluated: 2026-01-19. Review status: criteria provided, single submitter. Criteria: Invitae Variant Classification Sherloc (09022015). Collection method: clinical testing. Allele origin: germline.

GeneDx
Classification: Likely benign. Last evaluated: 2017-12-11. Review status: criteria provided, single submitter. Criteria: GeneDx Variant Classification (06012015). Collection method: clinical testing. Allele origin: germline. Affected: yes.
Comment: This variant is considered likely benign or benign based on one or more of the following criteria: it is a conservative change, it occurs at a poorly conserved position in the protein, it is predicted to be benign by multiple in silico algorithms, and/or has population frequency not consistent with disease.